The following is an entry in ClinVar:

NM_001042492.3(NF1):c.5873G>A (p.Arg1958His)

Gene: NF1 (neurofibromin 1; plus strand). Cytogenetic location: 17q11.2.
Variant type: single nucleotide variant.
Coding change: c.5873G>A on transcript NM_001042492.3 (MANE Select); coding-DNA position 5873, G replaced by A.
Protein change: p.Arg1958His; replaces arginine 1958 with histidine.
Molecular consequence: missense variant.
Genome position (GRCh38, 1-based): chr17:31,334,898, G>A. VCF-style: chr17-31334898-G-A. GRCh37 (hg19) VCF-style: chr17-29661916-G-A.
Other names: c.5810G>A, p.Arg1937His (NM_000267.4); short protein forms R1937H, R1958H.
Identifiers: ClinVar variation 2165983 (VCV002165983.5), dbSNP rs1296862549, ClinGen allele CA399010683.
Genomic context (GRCh38, chr17:31,334,898, plus strand): 5'-GTATTGAATTGAAACACCTTTGTTTGGAATACATGACTCCATGGCTGTCAAATCTAGTTC[G>A]TTTTTGCAAGCATAATGATGATGCCAAACGACAAAGAGTTACTGCTATTCTTGACAAGCT-3'
Protein context (NP_001035957.1, residues 1948-1968): YMTPWLSNLV[Arg1958His]FCKHNDDAKR

ClinVar aggregate classification (germline): Uncertain significance. Review status: criteria provided, multiple submitters, no conflicts (2 of 4 stars). 2 submissions from 2 submitters: Uncertain significance (2). Last evaluated 2025-03-22.

Conditions:
Neurofibromatosis, type 1 (NF1). Also called: Neurofibromatosis, type I; VON RECKLINGHAUSEN DISEASE; Peripheral type neurofibromatosis; NEUROFIBROMATOSIS, TYPE I, SOMATIC. Identifiers: Orphanet 636, MedGen C0027831, MONDO:0018975, OMIM 162200. Disease mechanism: loss of function.
Cardiovascular phenotype. Identifiers: MedGen CN230736.
Hereditary cancer-predisposing syndrome. Also called: Neoplastic Syndromes, Hereditary; Hereditary neoplastic syndrome; Hereditary Cancer Syndrome; Tumor predisposition. Identifiers: Orphanet 140162, MedGen C0027672, MeSH D009386, MONDO:0015356.

Submissions (2):

Ambry Genetics
Classification: Uncertain significance for Cardiovascular phenotype; Hereditary cancer-predisposing syndrome. Last evaluated: 2025-03-22. Review status: criteria provided, single submitter. Criteria: Ambry Variant Classification Scheme 2023. Collection method: clinical testing. Allele origin: germline.
Comment: The p.R1937H variant (also known as c.5810G>A), located in coding exon 39 of the NF1 gene, results from a G to A substitution at nucleotide position 5810. The arginine at codon 1937 is replaced by histidine, an amino acid with highly similar properties. This amino acid position is conserved. In addition, this alteration is predicted to be deleterious by in silico analysis. Based on the available evidence, the clinical significance of this variant remains unclear.

Labcorp Genetics (formerly Invitae), Labcorp
Classification: Uncertain significance for Neurofibromatosis, type 1. Last evaluated: 2024-01-19. Review status: criteria provided, single submitter. Criteria: Invitae Variant Classification Sherloc (09022015). Collection method: clinical testing. Allele origin: germline.
Comment: This sequence change replaces arginine, which is basic and polar, with histidine, which is basic and polar, at codon 1937 of the NF1 protein (p.Arg1937His). This variant is not present in population databases (gnomAD no frequency). This variant has not been reported in the literature in individuals affected with NF1-related conditions. ClinVar contains an entry for this variant (Variation ID: 2165983). Advanced modeling of protein sequence and biophysical properties (such as structural, functional, and spatial information, amino acid conservation, physicochemical variation, residue mobility, and thermodynamic stability) performed at Invitae indicates that this missense variant is expected to disrupt NF1 protein function with a positive predictive value of 95%. In summary, the available evidence is currently insufficient to determine the role of this variant in disease. Therefore, it has been classified as a Variant of Uncertain Significance.